The following is an entry in ClinVar:

ClinVar aggregate classification (germline): Uncertain significance (1 of 4 stars; one submission).

Submission:

Labcorp Genetics (formerly Invitae), Labcorp
Classification: Uncertain significance. Last evaluated: 2020-03-04. Review status: criteria provided, single submitter. Criteria: Invitae Variant Classification Sherloc (09022015). Collection method: clinical testing. Allele origin: germline.
Comment: In summary, the available evidence is currently insufficient to determine the role of this variant in disease. Therefore, it has been classified as a Variant of Uncertain Significance. Algorithms developed to predict the effect of missense changes on protein structure and function (SIFT, PolyPhen-2, Align-GVGD) all suggest that this variant is likely to be disruptive, but these predictions have not been confirmed by published functional studies and their clinical significance is uncertain. This variant has not been reported in the literature in individuals with POLE-related disease. This variant is not present in population databases (ExAC no frequency). This sequence change replaces phenylalanine with cysteine at codon 1463 of the POLE protein (p.Phe1463Cys). The phenylalanine residue is highly conserved and there is a large physicochemical difference between phenylalanine and cysteine.

NM_006231.4(POLE):c.4388T>G (p.Phe1463Cys)

Gene: POLE (DNA polymerase epsilon, catalytic subunit; minus strand). Cytogenetic location: 12q24.33.
Variant type: single nucleotide variant.
Coding change: c.4388T>G on transcript NM_006231.4 (MANE Select); coding-DNA position 4388, T replaced by G.
Protein change: p.Phe1463Cys; replaces phenylalanine 1463 with cysteine.
Molecular consequence: missense variant.
Genome position (GRCh38, 1-based): chr12:132,643,463, A>C on the plus strand (T>G on the coding strand, the complement: POLE is on the minus strand). VCF-style: chr12-132643463-A-C. GRCh37 (hg19) VCF-style: chr12-133220049-A-C.
Other names: short protein forms F1463C.
Identifiers: ClinVar variation 566545 (VCV000566545.9), dbSNP rs1565939600, ClinGen allele CA387381163.